The following is an entry in ClinVar:

NM_005359.6(SMAD4):c.520A>T (p.Thr174Ser)

Gene: SMAD4 (SMAD family member 4; plus strand). Cytogenetic location: 18q21.2.
Variant type: single nucleotide variant.
Coding change: c.520A>T on transcript NM_005359.6 (MANE Select); coding-DNA position 520, A replaced by T.
Protein change: p.Thr174Ser; replaces threonine 174 with serine.
Molecular consequence: missense variant.
Genome position (GRCh38, 1-based): chr18:51,054,846, A>T. VCF-style: chr18-51054846-A-T. GRCh37 (hg19) VCF-style: chr18-48581216-A-T.
Other names: short protein forms T174S.
Identifiers: ClinVar variation 925784 (VCV000925784.4), dbSNP rs1333974956, ClinGen allele CA402460797.

ClinVar aggregate classification (germline): Uncertain significance (1 of 4 stars; one submission).

Conditions:
Hereditary cancer-predisposing syndrome. Also called: Neoplastic Syndromes, Hereditary; Tumor predisposition; Hereditary Cancer Syndrome; Hereditary neoplastic syndrome. Identifiers: Orphanet 140162, MedGen C0027672, MeSH D009386, MONDO:0015356.

gnomAD v4.1: 1 of 1,613,928 alleles (0.000062%); highest among the groups gnomAD compares: South Asian, 0.0011%; no homozygotes.

Submission:

Color Diagnostics, LLC DBA Color Health
Classification: Uncertain significance for Hereditary cancer-predisposing syndrome. Last evaluated: 2023-12-04. Review status: criteria provided, single submitter. Criteria: ACMG Guidelines, 2015. Collection method: clinical testing. Allele origin: germline.
Comment: This missense variant replaces threonine with serine at codon 174 of the SMAD4 protein. Computational prediction suggests that this variant may not impact protein structure and function (internally defined REVEL score threshold <= 0.5, PMID: 27666373). To our knowledge, functional studies have not been reported for this variant. This variant has not been reported in individuals affected with SMAD4-related disorders in the literature. This variant has not been identified in the general population by the Genome Aggregation Database (gnomAD). The available evidence is insufficient to determine the role of this variant in disease conclusively. Therefore, this variant is classified as a Variant of Uncertain Significance.